The following is an entry in ClinVar:

ClinVar aggregate classification (germline): Pathogenic (1 of 4 stars; one submission).

Conditions:
Pyruvate dehydrogenase E3 deficiency (DLDD). Also called: Dihydrolipoamide Dehydrogenase (E3) Deficiency; DLD DEFICIENCY; E3 DEFICIENCY; Dihydrolipoamide Dehydrogenase E3 Deficiency; MAPLE SYRUP URINE DISEASE, TYPE III; Lipoamide dehydrogenase deficiency, lactic acidosis due to. Identifiers: Orphanet 2394, Orphanet 765, MedGen C5574660, MONDO:0009529, OMIM 246900.

Submission:

Myriad Genetics, Inc.
Classification: Pathogenic for Pyruvate dehydrogenase E3 deficiency. Last evaluated: 2023-11-19. Review status: criteria provided, single submitter. Criteria: Myriad Autosomal Dominant, Autosomal Recessive and X-Linked Classification Criteria (2023). Collection method: clinical testing. Allele origin: unknown.
Comment: NM_000108.3(DLD):c.930_933delGGTT(L310Ffs*14) is expected to be pathogenic in the context of dihydrolipoamide dehydrogenase deficiency. This variant is predicted to lead to an abnormal or absent protein product due to the creation of a premature termination codon in DLD, a gene where loss-of-function variants are known to be pathogenic. Please note: this variant was assessed in the context of healthy population screening.

NM_000108.5(DLD):c.930_933del (p.Leu310fs)

Gene: DLD (dihydrolipoamide dehydrogenase; plus strand). Cytogenetic location: 7q31.1.
Variant type: Deletion.
Coding change: c.930_933del on transcript NM_000108.5 (MANE Select); coding-DNA positions 930 to 933, 4 bases deleted (GGTT; older notation c.930_933delGGTT).
Protein change: p.Leu310fs; shifts the reading frame from leucine 310.
Molecular consequence: frameshift variant.
Genome position (GRCh38, 1-based): chr7:107,916,848-107,916,851, GGTT deleted; deleting any 4 consecutive bases within chr7:107,916,846-107,916,851 gives the same sequence; the c. name uses the placement nearest the transcript's 3' end. VCF-style (leftmost placement, unchanged base first): chr7-107916845-CTTGG-C. GRCh37 (hg19) VCF-style: chr7-107557290-CTTGG-C.
Other names: c.633_636del, p.Leu211fs (NM_001289750.1); c.861_864del, p.Leu287fs (NM_001289751.1); c.786_789del, p.Leu262fs (NM_001289752.1); short protein forms L211fs, L262fs, L287fs, L310fs.
Identifiers: ClinVar variation 5012497 (VCV005012497.1).